The following is an entry in ClinVar:

NM_032119.4(ADGRV1):c.3447T>C (p.Ser1149=)

Gene: ADGRV1 (adhesion G protein-coupled receptor V1; plus strand). Cytogenetic location: 5q14.3.
Variant type: single nucleotide variant.
Coding change: c.3447T>C on transcript NM_032119.4 (MANE Select); coding-DNA position 3447, T replaced by C.
Protein change: p.Ser1149=; no amino-acid change (serine 1149 retained).
Molecular consequence: synonymous variant. On other transcripts: non-coding transcript variant (1).
Genome position (GRCh38, 1-based): chr5:90,652,376, T>C. VCF-style: chr5-90652376-T-C. GRCh37 (hg19) VCF-style: chr5-89948193-T-C.
Other names: c.3447T>C (NM_032119.3).
Identifiers: ClinVar variation 1570923 (VCV001570923.10), dbSNP rs374758503, ClinGen allele CA3339190.

ClinVar aggregate classification (germline): Likely benign. Review status: criteria provided, multiple submitters, no conflicts (2 of 4 stars). 2 submissions from 2 submitters: Likely benign (2). Last evaluated 2026-08-18.

Conditions:
ADGRV1-related disorder. Also called: ADGRV1-related condition; ADGRV1-related disorders.

Allele frequency attached by ClinVar (database versions not stated): gnomAD exomes below 0.00001; ExAC 0.00001; gnomAD 0.00003; TOPMed 0.00005; ESP Exome Variant Server 0.00008.
gnomAD v4.1: 4 of 1,605,160 alleles (0.00025%); highest among the groups gnomAD compares: Admixed American, 0.0051%; no homozygotes.

Submissions (2):

PreventionGenetics, part of Exact Sciences
Classification: Likely benign for ADGRV1-related condition. Last evaluated: 2026-08-18. Review status: criteria provided, single submitter. Criteria: ACMG Guidelines, 2015. Collection method: clinical testing. Allele origin: germline.
Comment: This variant is classified as likely benign based on ACMG/AMP sequence variant interpretation guidelines (Richards et al. 2015 PMID: 25741868, with internal and published modifications).

Labcorp Genetics (formerly Invitae), Labcorp
Classification: Likely benign. Last evaluated: 2025-12-16. Review status: criteria provided, single submitter. Criteria: Invitae Variant Classification Sherloc (09022015). Collection method: clinical testing. Allele origin: germline.